The following is an entry in ClinVar:

NM_001009944.3(PKD1):c.8948+34C>T

Gene: PKD1 (polycystin 1, transient receptor potential channel interacting; minus strand). Cytogenetic location: 16p13.3.
Variant type: single nucleotide variant.
Coding change: c.8948+34C>T on transcript NM_001009944.3 (MANE Select); 34 bases into the intron after coding-DNA position 8948, C replaced by T.
Molecular consequence: intron variant.
Genome position (GRCh38, 1-based): chr16:2,102,780, G>A on the plus strand (C>T on the coding strand, the complement: PKD1 is on the minus strand). VCF-style: chr16-2102780-G-A. GRCh37 (hg19) VCF-style: chr16-2152781-G-A.
Other names: NC_000016.9:g.2152781G>A; c.8948+34C>T (NM_000296.4).
Identifiers: ClinVar variation 3046985 (VCV003046985.3), dbSNP rs200573404, ClinGen allele CA7830279.

ClinVar aggregate classification (germline): Likely benign (0 of 4 stars; one submission).

Conditions:
PKD1-related disorder. Also called: PKD1-related condition.

Allele frequency attached by ClinVar (database versions not stated): gnomAD exomes 0.00026; TOPMed 0.00027; gnomAD 0.00028; ESP Exome Variant Server 0.00031; ExAC 0.00033.
gnomAD v4.1: 437 of 1,609,460 alleles (0.027%); highest among the groups gnomAD compares: Non-Finnish European, 0.024%; no homozygotes.

Submissions (2):

PreventionGenetics, part of Exact Sciences
Classification: Likely benign for PKD1-related condition. Last evaluated: 2023-12-13. Review status: no assertion criteria provided. Collection method: clinical testing. Allele origin: germline.
Comment: This variant is classified as likely benign based on ACMG/AMP sequence variant interpretation guidelines (Richards et al. 2015 PMID: 25741868, with internal and published modifications).

Dr. Peter K. Rogan Lab, Western University
No classification provided (evidence only). Condition: Sarcoma. Review status: no classification provided. Collection method: in vitro. Allele origin: not applicable. Functional consequence: retained intron. Not counted in ClinVar's aggregate classification.